The following is an entry in ClinVar:

NM_000038.6(APC):c.-18-4629T>G

Gene: APC (APC regulator of WNT signaling pathway; plus strand). Cytogenetic location: 5q22.2.
Variant type: single nucleotide variant.
Coding change: c.-18-4629T>G on transcript NM_000038.6 (MANE Select); 4629 bases into the intron before 18 bases upstream of the start codon, T replaced by G.
Molecular consequence: intron variant.
Genome position (GRCh38, 1-based): chr5:112,750,244, T>G. VCF-style: chr5-112750244-T-G. GRCh37 (hg19) VCF-style: chr5-112085941-T-G.
Other names: c.-18-4629T>G (NM_001354895.2, NM_001127510.3, NM_001354896.2 and 2 more transcripts); c.166-16082T>G (NM_001354897.2, NM_001354902.2, NM_001127511.3); c.60+11784T>G (NM_001354898.2, NM_001354904.2); c.-1053-4629T>G (NM_001354906.2); c.-43+12319T>G (NM_001354900.2, NM_001354901.2, NM_001354905.2).
Identifiers: ClinVar variation 82359 (VCV000082359.2), dbSNP rs75886562, ClinGen allele CA006091.

ClinVar aggregate classification (germline): other (0 of 4 stars; one submission).

Conditions:
Familial colorectal cancer. Identifiers: MedGen CN280943, MONDO:0023113. Disease mechanism: loss of function.

Submission:

Systems Biology Platform Zhejiang California International NanoSystems Institute
Classification: other for Familial colorectal cancer. Review status: no assertion criteria provided. Collection method: not provided. Allele origin: unknown.
ClinVar note: Converted during submission from cancer to other.